The following is an entry in ClinVar:

NM_000179.3(MSH6):c.3464A>C (p.Gln1155Pro)

Gene: MSH6 (mutS homolog 6; plus strand). Cytogenetic location: 2p16.3.
Variant type: single nucleotide variant.
Coding change: c.3464A>C on transcript NM_000179.3 (MANE Select); coding-DNA position 3464, A replaced by C.
Protein change: p.Gln1155Pro; replaces glutamine 1155 with proline.
Molecular consequence: missense variant.
Genome position (GRCh38, 1-based): chr2:47,804,935, A>C. VCF-style: chr2-47804935-A-C. GRCh37 (hg19) VCF-style: chr2-48032074-A-C.
Other names: c.3074A>C, p.Gln1025Pro (NM_001281492.2); c.2558A>C, p.Gln853Pro (NM_001281493.2, NM_001281494.2, NM_001406811.1 and 6 more transcripts); c.3560A>C, p.Gln1187Pro (NM_001406795.1, NM_001406802.1); c.3464A>C, p.Gln1155Pro (NM_001406796.1, NM_001406800.1, NM_001406808.1 and 1 more transcripts); c.3167A>C, p.Gln1056Pro (NM_001406797.1, NM_001406801.1, NM_001406805.1 and 10 more transcripts); c.3290A>C, p.Gln1097Pro (NM_001406798.1); c.2939A>C, p.Gln980Pro (NM_001406799.1, NM_001406806.1, NM_001406807.1); c.2600A>C, p.Gln867Pro (NM_001406803.1); and 7 more; short protein forms Q104P, Q1056P, Q1099P, Q1157P, Q82P, Q853P, Q980P, Q1129P.
Identifiers: ClinVar variation 1731661 (VCV001731661.2), dbSNP rs1572738445, ClinGen allele CA346760054.
Genomic context (GRCh38, chr2:47,804,935, plus strand): 5'-CAGTCATAAAAGACCTTTTCCTCCCTCATTCACAGGCTGGCTTATTAGCTGTAATGGCCC[A>C]GATGGGTTGTTACGTCCCTGCTGAAGTGTGCAGGCTCACACCAATTGATAGAGTGTTTAC-3'
Protein context (NP_000170.1, residues 1145-1165): RQAGLLAVMA[Gln1155Pro]MGCYVPAEVC

ClinVar aggregate classification (germline): Uncertain significance (1 of 4 stars; one submission).

Conditions:
Hereditary cancer-predisposing syndrome. Also called: Neoplastic Syndromes, Hereditary; Tumor predisposition; Hereditary Cancer Syndrome; Hereditary neoplastic syndrome. Identifiers: Orphanet 140162, MedGen C0027672, MeSH D009386, MONDO:0015356.

Submission:

Ambry Genetics
Classification: Uncertain significance for Hereditary cancer-predisposing syndrome. Last evaluated: 2021-06-23. Review status: criteria provided, single submitter. Criteria: Ambry Variant Classification Scheme 2023. Collection method: clinical testing. Allele origin: germline.
Comment: The p.Q1155P variant (also known as c.3464A>C), located in coding exon 6 of the MSH6 gene, results from an A to C substitution at nucleotide position 3464. The glutamine at codon 1155 is replaced by proline, an amino acid with similar properties. This amino acid position is highly conserved in available vertebrate species. In addition, this alteration is predicted to be deleterious by in silico analysis. Since supporting evidence is limited at this time, the clinical significance of this alteration remains unclear.